The following is an entry in ClinVar:

ClinVar aggregate classification (germline): Likely benign (1 of 4 stars; one submission).

Allele frequency attached by ClinVar (database versions not stated): gnomAD exomes below 0.00001; ExAC 0.00001.
gnomAD v4.1: 1 of 1,611,672 alleles (0.000062%); highest among the groups gnomAD compares: Admixed American, 0.0017%; no homozygotes.

Submission:

GeneDx
Classification: Likely benign. Last evaluated: 2016-02-12. Review status: criteria provided, single submitter. Criteria: GeneDx Variant Classification (06012015). Collection method: clinical testing. Allele origin: germline. Affected: yes.
Comment: This variant is considered likely benign or benign based on one or more of the following criteria: it is a conservative change, it occurs at a poorly conserved position in the protein, it is predicted to be benign by multiple in silico algorithms, and/or has population frequency not consistent with disease.

NM_020320.5(RARS2):c.451+9T>C

Gene: RARS2 (arginyl-tRNA synthetase 2, mitochondrial; minus strand). Cytogenetic location: 6q15.
Variant type: single nucleotide variant.
Coding change: c.451+9T>C on transcript NM_020320.5 (MANE Select); 9 bases into the intron after coding-DNA position 451, T replaced by C.
Molecular consequence: intron variant.
Genome position (GRCh38, 1-based): chr6:87,548,582, A>G on the plus strand (T>C on the coding strand, the complement: RARS2 is on the minus strand). VCF-style: chr6-87548582-A-G. GRCh37 (hg19) VCF-style: chr6-88258300-A-G.
Other names: c.451+9T>C (NM_001350505.2); c.-74-2883T>C (NM_001350509.2, NM_001318785.2); c.-75+9T>C (NM_001350506.2, NM_001350510.2, NM_001350508.2 and 2 more transcripts).
Identifiers: ClinVar variation 382603 (VCV000382603.1), dbSNP rs778200533, ClinGen allele CA3916638.